The following is an entry in ClinVar:

NM_152383.5(DIS3L2):c.1890G>T (p.Leu630=)

Gene: DIS3L2 (DIS3 like 3'-5' exoribonuclease 2; plus strand). Cytogenetic location: 2q37.1.
Variant type: single nucleotide variant.
Coding change: c.1890G>T on transcript NM_152383.5 (MANE Select); coding-DNA position 1890, G replaced by T.
Protein change: p.Leu630=; no amino-acid change (leucine 630 retained).
Molecular consequence: synonymous variant. On other transcripts: non-coding transcript variant (2), intron variant (1).
Genome position (GRCh38, 1-based): chr2:232,329,963, G>T. VCF-style: chr2-232329963-G-T. GRCh37 (hg19) VCF-style: chr2-233194673-G-T.
Other names: c.1582-13382G>T (NM_001257281.2).
Identifiers: ClinVar variation 5040719 (VCV005040719.1).
Genomic context (GRCh38, chr2:232,329,963, plus strand): 5'-CCCCCCGCCCCAAACAAGGATGCTCAGTGACCTGGTGGAATTCTGCGACCAGATGGGGCT[G>T]CCCGTGGACTTCAGCTCCGCAGGAGCCCTCAATGTGAGTGGTGGGCAGGATTCGGGGGAG-3'
Protein context (NP_689596.4, residues 620-640): DLVEFCDQMG[Leu630=]PVDFSSAGAL

ClinVar aggregate classification (germline): Likely benign (1 of 4 stars; one submission).

Submission:

CeGaT Center for Human Genetics Tuebingen
Classification: Likely benign. Last evaluated: 2026-08-01. Review status: criteria provided, single submitter. Criteria: CeGaT Center For Human Genetics Tuebingen Variant Classification Criteria Version 2. Collection method: clinical testing. Allele origin: germline. Affected: yes. Observed: 1 variant allele.
Comment: DIS3L2: PM2:Supporting, BP4, BP7